The following is an entry in ClinVar:

ClinVar aggregate classification (germline): Pathogenic (1 of 4 stars; one submission).

Conditions:
Charcot-Marie-Tooth disease, type I (CMT1). Also called: Charcot-Marie-Tooth, Type 1; Charcot-Marie-Tooth disease type 1. Identifiers: Orphanet 65753, MedGen C0751036, MONDO:0019011.

Submission:

Labcorp Genetics (formerly Invitae), Labcorp
Classification: Pathogenic for Charcot-Marie-Tooth disease, type I. Last evaluated: 2025-01-15. Review status: criteria provided, single submitter. Criteria: Invitae Variant Classification Sherloc (09022015). Collection method: clinical testing. Allele origin: germline.
Comment: This sequence change affects a donor splice site in intron 2 of the PMP22 gene. It is expected to disrupt RNA splicing. Variants that disrupt the donor or acceptor splice site typically lead to a loss of protein function (PMID: 16199547), and loss-of-function variants in PMP22 are known to be pathogenic (PMID: 23224996). This variant is not present in population databases (gnomAD no frequency). Disruption of this splice site has been observed in individuals with PMP22-related conditions (PMID: 9187667, 29653220). It has also been observed to segregate with disease in related individuals. ClinVar contains an entry for this variant (Variation ID: 2830787). Algorithms developed to predict the effect of sequence changes on RNA splicing suggest that this variant may disrupt the consensus splice site. For these reasons, this variant has been classified as Pathogenic.

Literature cited by the submitters: PubMed 16199547; PubMed 23224996; PubMed 9187667; PubMed 29653220.

NM_000304.4(PMP22):c.78+2T>C

Gene: PMP22 (peripheral myelin protein 22; minus strand). Cytogenetic location: 17p12.
Variant type: single nucleotide variant.
Coding change: c.78+2T>C on transcript NM_000304.4 (MANE Select); the canonical splice donor site of the intron after coding-DNA position 78, T replaced by C.
Molecular consequence: splice donor variant.
Genome position (GRCh38, 1-based): chr17:15,260,648, A>G on the plus strand (T>C on the coding strand, the complement: PMP22 is on the minus strand). VCF-style: chr17-15260648-A-G. GRCh37 (hg19) VCF-style: chr17-15163965-A-G.
Other names: c.78+2T>C (NM_001281456.2, NM_153321.3, NM_001281455.2 and 2 more transcripts).
Identifiers: ClinVar variation 2830787 (VCV002830787.3), dbSNP rs2508226622, ClinGen allele CA398271645.